The following is an entry in ClinVar:

NM_001099922.3(ALG13):c.2754ACC[9] (p.Pro940_Pro945del)

Gene: ALG13 (ALG13 UDP-N-acetylglucosaminyltransferase subunit; plus strand). Cytogenetic location: Xq23.
Variant type: Microsatellite.
Coding change: c.2754ACC[9] on transcript NM_001099922.3 (MANE Select); nine copies in a row of the 3-base unit ACC starting at c.2754; the reference has 15 copies in a row; six copies, 18 bases deleted.
Protein change: p.Pro940_Pro945del.
Molecular consequence: inframe deletion. On other transcripts: intron variant (5).
Genome position (GRCh38, 1-based): chrX:111,744,753-111,744,770, ACCACCACCACCACCACC deleted; deleting any 18 consecutive bases within chrX:111,744,726-111,744,770 gives the same sequence; the position shown is the placement nearest the transcript's 3' end. VCF-style (leftmost placement, unchanged base first): chrX-111744725-TACCACCACCACCACCACC-T. GRCh37 (hg19) VCF-style: chrX-110987953-TACCACCACCACCACCACC-T.
Other names: c.2520ACC[9], p.Pro862_Pro867del (NM_001257231.2); c.2383+7847ACC[9] (NM_001257237.2, NM_001257234.2, NM_001257230.2); c.2209+7847ACC[9] (NM_001324293.1); c.2695+7847ACC[9] (NM_001324292.2).
Identifiers: ClinVar variation 1061456 (VCV001061456.6), dbSNP rs750710267, ClinGen allele CA10493969.
Genomic context (GRCh38, chrX:111,744,725, plus strand): 5'-TAGTGATTGCCTCACCATCCTATCCATGCCATTCTGCTATTCCTCATGCTGGTGCCTCTC[TACCACCACCACCACCACC>T]ACCACCACCACCACCACCACCACCACCTCCTCCTCCTCCTCCTCCTCCTCCTCCTCCTCC-3'

ClinVar aggregate classification (germline): Uncertain significance (1 of 4 stars; one submission).

Conditions:
Developmental and epileptic encephalopathy, 36 (DEE36). Also called: Epileptic encephalopathy, early infantile, 36; ALG13-CDG; Congenital disorder of glycosylation, type Is. Identifiers: Orphanet 324422, MedGen C4317295, MONDO:0010472, OMIM 300884.

Submission:

Labcorp Genetics (formerly Invitae), Labcorp
Classification: Uncertain significance for Developmental and epileptic encephalopathy, 36. Last evaluated: 2025-05-19. Review status: criteria provided, single submitter. Criteria: Invitae Variant Classification Sherloc (09022015). Collection method: clinical testing. Allele origin: germline.
Comment: This variant, c.2781_2798del, results in the deletion of 6 amino acid(s) of the ALG13 protein (p.Pro940_Pro945del), but otherwise preserves the integrity of the reading frame. The frequency data for this variant in the population databases is considered unreliable, as metrics indicate poor data quality at this position in the gnomAD database. This variant has not been reported in the literature in individuals affected with ALG13-related conditions. Experimental studies and prediction algorithms are not available or were not evaluated, and the functional significance of this variant is currently unknown. In summary, the available evidence is currently insufficient to determine the role of this variant in disease. Therefore, it has been classified as a Variant of Uncertain Significance.